The following is an entry in ClinVar:

ClinVar aggregate classification (germline): Uncertain significance (1 of 4 stars; one submission).

Conditions:
Ehlers-Danlos syndrome, classic type, 1 (EDSCL1). Also called: EHLERS-DANLOS SYNDROME, GRAVIS TYPE; EHLERS-DANLOS SYNDROME, SEVERE CLASSIC TYPE; Ehlers-Danlos syndrome, type 1; Ehlers-Danlos Syndrome, Classic Type, COL5A1-Related; EDS I. Identifiers: MedGen C0268335, MONDO:0019567, OMIM 130000.
Osteogenesis imperfecta type I (OI1). Also called: OI, TYPE I; OSTEOGENESIS IMPERFECTA TARDA; OSTEOGENESIS IMPERFECTA WITH BLUE SCLERAE; Osteogenesis imperfecta type 1; Lobstein's Disease; Lobstein disease. Identifiers: Orphanet 216796, Orphanet 666, MedGen C0023931, MONDO:0008146, OMIM 166200. Disease mechanism: loss of function.

gnomAD v4.1: 1 of 1,613,402 alleles (0.000062%); highest among the groups gnomAD compares: East Asian, 0.0022%; no homozygotes.

Submission:

Labcorp Genetics (formerly Invitae), Labcorp
Classification: Uncertain significance for Osteogenesis imperfecta type I; Ehlers-Danlos syndrome, classic type, 1. Last evaluated: 2024-09-21. Review status: criteria provided, single submitter. Criteria: Invitae Variant Classification Sherloc (09022015). Collection method: clinical testing. Allele origin: germline.
Comment: This sequence change falls in intron 30 of the COL1A2 gene. It does not directly change the encoded amino acid sequence of the COL1A2 protein. It affects a nucleotide within the consensus splice site. This variant is not present in population databases (gnomAD no frequency). This variant has not been reported in the literature in individuals affected with COL1A2-related conditions. Variants that disrupt the consensus splice site are a relatively common cause of aberrant splicing (PMID: 17576681, 9536098). Algorithms developed to predict the effect of sequence changes on RNA splicing suggest that this variant may disrupt the consensus splice site. In summary, the available evidence is currently insufficient to determine the role of this variant in disease. Therefore, it has been classified as a Variant of Uncertain Significance.

Literature cited by the submitters: PubMed 17576681; PubMed 9536098.

NM_000089.4(COL1A2):c.1764+6T>C

Gene: COL1A2 (collagen type I alpha 2 chain; plus strand). Cytogenetic location: 7q21.3.
Variant type: single nucleotide variant.
Coding change: c.1764+6T>C on transcript NM_000089.4 (MANE Select); 6 bases into the intron after coding-DNA position 1764, T replaced by C.
Molecular consequence: intron variant.
Genome position (GRCh38, 1-based): chr7:94,415,276, T>C. VCF-style: chr7-94415276-T-C. GRCh37 (hg19) VCF-style: chr7-94044588-T-C.
Identifiers: ClinVar variation 3753396 (VCV003753396.2).
Genomic context (GRCh38, chr7:94,415,276, plus strand): 5'-TTTTGTCTAGGGTCTCCATGGTGAGTTTGGTCTCCCTGGTCCTGCTGGTCCAAGAGTAAG[T>C]GTTACTTCATTAACTTTCATAAACTCTGGCAATGTGTTTTTAAAAGTAGTAGTGCTTTCT-3'